The following is an entry in ClinVar:

NM_004586.3(RPS6KA3):c.70-10646A>G

Gene: RPS6KA3 (ribosomal protein S6 kinase A3; minus strand). Cytogenetic location: Xp22.12.
Variant type: single nucleotide variant.
Coding change: c.70-10646A>G on transcript NM_004586.3 (MANE Select); 10646 bases into the intron before coding-DNA position 70, A replaced by G.
Molecular consequence: intron variant.
Genome position (GRCh38, 1-based): chrX:20,245,460, T>C on the plus strand (A>G on the coding strand, the complement: RPS6KA3 is on the minus strand). VCF-style: chrX-20245460-T-C. GRCh37 (hg19) VCF-style: chrX-20263578-T-C.
Other names: c.-15-10646A>G (NM_001438340.1).
Identifiers: ClinVar variation 4854995 (VCV004854995.1).

ClinVar aggregate classification (germline): Uncertain significance (1 of 4 stars; one submission).

Conditions:
Intellectual developmental disorder, X-linked 19. Also called: Intellectual disability, X-linked 19. Identifiers: Orphanet 777, MedGen C0796225, MONDO:0010447, OMIM 300844.

Submission:

3billion
Classification: Uncertain significance for Intellectual developmental disorder, X-linked 19. Last evaluated: 2025-08-26. Review status: criteria provided, single submitter. Criteria: ACMG Guidelines, 2015. Collection method: clinical testing. Allele origin: germline. Affected: yes.
Comment: The variant is not observed in the gnomAD v4.1.0 dataset. Predicted Consequence/Location: Intron variant In silico tools predict the variant to alter splicing and produce an abnormal transcript [SpliceAI: 0.33 (>=0.2, moderate evidence for spliceogenicity)]. Therefore, this variant is classified as VUS according to the recommendation of ACMG/AMP guideline.